The following is an entry in ClinVar:

ClinVar aggregate classification (germline): Uncertain significance. Review status: criteria provided, multiple submitters, no conflicts (2 of 4 stars). 2 submissions from 2 submitters: Uncertain significance (2). Last evaluated 2025-09-27.

Conditions:
Hereditary cancer-predisposing syndrome. Also called: Neoplastic Syndromes, Hereditary; Tumor predisposition; Hereditary Cancer Syndrome; Hereditary neoplastic syndrome. Identifiers: Orphanet 140162, MedGen C0027672, MeSH D009386, MONDO:0015356.
Colorectal cancer, susceptibility to, 12 (CRCS12). Also called: COLORECTAL CANCER, SUSCEPTIBILITY TO, ON CHROMOSOME 12q24. Identifiers: Orphanet 220460, MedGen C3554460, MONDO:0014038, OMIM 615083.

Submissions (2):

Ambry Genetics
Classification: Uncertain significance for Hereditary cancer-predisposing syndrome. Last evaluated: 2025-09-27. Review status: criteria provided, single submitter. Criteria: Ambry Variant Classification Scheme 2023. Collection method: clinical testing. Allele origin: germline.
Comment: The p.N336K variant (also known as c.1008T>A), located in coding exon 10 of the POLE gene, results from a T to A substitution at nucleotide position 1008. The asparagine at codon 336 is replaced by lysine, an amino acid with similar properties. This amino acid position is conserved. In addition, this alteration is predicted to be tolerated by in silico analysis. Based on the available evidence, the clinical significance of this variant remains unclear.

Baylor Genetics
Classification: Uncertain significance for Colorectal cancer, susceptibility to, 12. Last evaluated: 2023-05-23. Review status: criteria provided, single submitter. Criteria: ACMG Guidelines, 2015. Collection method: clinical testing. Allele origin: unknown.

NM_006231.4(POLE):c.1008T>A (p.Asn336Lys)

Gene: POLE (DNA polymerase epsilon, catalytic subunit; minus strand). Cytogenetic location: 12q24.33.
Variant type: single nucleotide variant.
Coding change: c.1008T>A on transcript NM_006231.4 (MANE Select); coding-DNA position 1008, T replaced by A.
Protein change: p.Asn336Lys; replaces asparagine 336 with lysine.
Molecular consequence: missense variant.
Genome position (GRCh38, 1-based): chr12:132,676,106, A>T on the plus strand (T>A on the coding strand, the complement: POLE is on the minus strand). VCF-style: chr12-132676106-A-T. GRCh37 (hg19) VCF-style: chr12-133252692-A-T.
Other names: c.1008T>A (NM_006231.2); short protein forms N336K.
Identifiers: ClinVar variation 2677939 (VCV002677939.2), dbSNP rs754405980, ClinGen allele CA387363454.
Genomic context (GRCh38, chr12:132,676,106, plus strand): 5'-CCGTTCTTCCCACAATACCGGGTAGTTTCCCAAGTGATACCTCCTTACCTCATCGGGTTC[A>T]TTGAAGACACAAAAGGGGCCTTCATATTCTGGCTTGGGGGTGAACTCAAAATCTTCAATA-3'
Protein context (NP_006222.2, residues 326-346): PEYEGPFCVF[Asn336Lys]EPDEAHLIQR